The following is an entry in ClinVar:

ClinVar aggregate classification (germline): Benign/Likely benign. Review status: criteria provided, multiple submitters, no conflicts (2 of 4 stars). 5 submissions from 5 submitters: Benign (1); Likely benign (4). Last evaluated 2025-11-12.

Conditions:
Familial adenomatous polyposis 1 (FAP1). Also called: POLYPOSIS, ADENOMATOUS INTESTINAL; FAMILIAL ADENOMATOUS POLYPOSIS 1, ATTENUATED. Identifiers: MedGen C2713442, MONDO:0021056, OMIM 175100. Disease mechanism: loss of function.
Classic or attenuated familial adenomatous polyposis. Identifiers: MedGen CN372698, MONDO:0021057.
Hereditary cancer-predisposing syndrome. Also called: Hereditary Cancer Syndrome; Neoplastic Syndromes, Hereditary; Tumor predisposition; Hereditary neoplastic syndrome. Identifiers: Orphanet 140162, MedGen C0027672, MeSH D009386, MONDO:0015356.

Allele frequency attached by ClinVar (database versions not stated): gnomAD exomes 0.00001.
gnomAD v4.1: 9 of 1,612,104 alleles (0.00056%); highest among the groups gnomAD compares: South Asian, 0.0088%; no homozygotes.

Submissions (5):

Labcorp Genetics (formerly Invitae), Labcorp
Classification: Likely benign for Familial adenomatous polyposis 1. Last evaluated: 2025-11-12. Review status: criteria provided, single submitter. Criteria: Invitae Variant Classification Sherloc (09022015). Collection method: clinical testing. Allele origin: germline.

Myriad Genetics, Inc.
Classification: Benign for Familial adenomatous polyposis 1. Last evaluated: 2024-03-06. Review status: criteria provided, single submitter. Criteria: Myriad Autosomal Dominant, Autosomal Recessive and X-Linked Classification Criteria (2023). Collection method: clinical testing. Allele origin: unknown.
Comment: This variant is considered benign. This variant is a silent/synonymous amino acid change and it is not expected to impact splicing.

All of Us Research Program, National Institutes of Health
Classification: Likely benign for Classic or attenuated familial adenomatous polyposis. Last evaluated: 2023-10-23. Review status: criteria provided, single submitter. Criteria: ACMG Guidelines, 2015. Collection method: clinical testing. Allele origin: germline. Inheritance: Autosomal dominant inheritance. Observed: 1 variant allele, 1 heterozygote.
Comment: This study involves interpretation of variants in research participants for the purpose of population health screening. Participant phenotype was not available at the time of variant classification. Additional details can be found in publication PMID: 35346344, PMCID: PMC8962531

Ambry Genetics
Classification: Likely benign for Hereditary cancer-predisposing syndrome. Last evaluated: 2018-03-02. Review status: criteria provided, single submitter. Criteria: Ambry Variant Classification Scheme 2023. Collection method: clinical testing. Allele origin: germline.

Color Diagnostics, LLC DBA Color Health
Classification: Likely benign for Hereditary cancer-predisposing syndrome. Last evaluated: 2017-11-07. Review status: criteria provided, single submitter. Criteria: ACMG Guidelines, 2015. Collection method: clinical testing. Allele origin: germline.

NM_000038.6(APC):c.1617C>T (p.Asp539=)

Gene: APC (APC regulator of Wnt signaling pathway; plus strand). Cytogenetic location: 5q22.2.
Variant type: single nucleotide variant.
Coding change: c.1617C>T on transcript NM_000038.6 (MANE Select); coding-DNA position 1617, C replaced by T.
Protein change: p.Asp539=; no amino-acid change (aspartic acid 539 retained).
Molecular consequence: synonymous variant.
Genome position (GRCh38, 1-based): chr5:112,827,997, C>T. VCF-style: chr5-112827997-C-T. GRCh37 (hg19) VCF-style: chr5-112163694-C-T.
Other names: c.1617C>T, p.Asp539= (NM_001127510.3, NM_001354895.2); c.1563C>T, p.Asp521= (NM_001127511.3); c.1671C>T, p.Asp557= (NM_001354896.2); c.1647C>T, p.Asp549= (NM_001354897.2); c.1542C>T, p.Asp514= (NM_001354898.2); c.1533C>T, p.Asp511= (NM_001354899.2); c.1494C>T, p.Asp498= (NM_001354900.2); c.1440C>T, p.Asp480= (NM_001354901.2); and 5 more.
Identifiers: ClinVar variation 490216 (VCV000490216.20), dbSNP rs1554081912, ClinGen allele CA445756869.